The following is an entry in ClinVar:

ClinVar aggregate classification (germline): Pathogenic (1 of 4 stars; one submission).

Conditions:
Joubert syndrome 21 (JBTS21). Identifiers: MedGen C3810212, MONDO:0014288, OMIM 615636.

Submission:

Labcorp Genetics (formerly Invitae), Labcorp
Classification: Pathogenic for Joubert syndrome 21. Last evaluated: 2025-07-05. Review status: criteria provided, single submitter. Criteria: Invitae Variant Classification Sherloc (09022015). Collection method: clinical testing. Allele origin: germline.
Comment: This sequence change creates a premature translational stop signal (p.Asn348Lysfs*43) in the CSPP1 gene. It is expected to result in an absent or disrupted protein product. Loss-of-function variants in CSPP1 are known to be pathogenic (PMID: 24360807, 24360808). This variant is not present in population databases (gnomAD no frequency). This variant has not been reported in the literature in individuals affected with CSPP1-related conditions. For these reasons, this variant has been classified as Pathogenic.

Literature cited by the submitters: PubMed 24360807; PubMed 24360808.

NM_001382391.1(CSPP1):c.1017del (p.Asn339fs)

Gene: CSPP1 (centrosome and spindle pole associated protein 1; plus strand). Cytogenetic location: 8q13.2.
Variant type: Deletion.
Coding change: c.1017del on transcript NM_001382391.1 (MANE Select); coding-DNA position 1017, one base deleted (T; older notation c.1017delT).
Protein change: p.Asn339fs; shifts the reading frame from asparagine 339.
Molecular consequence: frameshift variant. On other transcripts: intron variant (2).
Genome position (GRCh38, 1-based): chr8:67,103,130, T deleted. VCF-style (leftmost placement, unchanged base first): chr8-67103129-AT-A. GRCh37 (hg19) VCF-style: chr8-68015364-AT-A.
Other names: c.162del, p.Asn54fs (NM_001291339.2); c.936del, p.Asn312fs (NM_001363131.2, NM_001363133.2); c.1017del, p.Asn339fs (NM_001363132.2); c.1125del, p.Asn375fs (NM_001364869.1); c.1044del, p.Asn348fs (NM_001438330.1, NM_001438331.1, NM_024790.7); c.951-2775del (NM_001364870.1); c.950+7398del (NM_001438332.1); short protein forms N348fs, N54fs, N339fs, N375fs, N312fs.
Identifiers: ClinVar variation 4722088 (VCV004722088.1).